The following is an entry in ClinVar:

NM_001457.4(FLNB):c.7106G>T (p.Ser2369Ile)

Genes: FLNB (filamin B; plus strand), FLNB-AS1 (FLNB antisense RNA 1; minus strand). Cytogenetic location: 3p14.3.
Variant type: single nucleotide variant.
Coding change: c.7106G>T on transcript NM_001457.4 (MANE Select); coding-DNA position 7106, G replaced by T.
Protein change: p.Ser2369Ile; replaces serine 2369 with isoleucine.
Molecular consequence: missense variant. On other transcripts: non-coding transcript variant (1).
Genome position (GRCh38, 1-based): chr3:58,163,238, G>T. VCF-style: chr3-58163238-G-T. GRCh37 (hg19) VCF-style: chr3-58148965-G-T.
Other names: c.7199G>T, p.Ser2400Ile (NM_001164317.2); c.7073G>T, p.Ser2358Ile (NM_001164318.2); c.7034G>T, p.Ser2345Ile (NM_001164319.2); short protein forms S2345I, S2369I, S2358I, S2400I.
Identifiers: ClinVar variation 1984481 (VCV001984481.4), dbSNP rs2471254330, ClinGen allele CA353364611.

ClinVar aggregate classification (germline): Uncertain significance (1 of 4 stars; one submission).

Submission:

Labcorp Genetics (formerly Invitae), Labcorp
Classification: Uncertain significance. Last evaluated: 2022-08-29. Review status: criteria provided, single submitter. Criteria: Invitae Variant Classification Sherloc (09022015). Collection method: clinical testing. Allele origin: germline.
Comment: In summary, the available evidence is currently insufficient to determine the role of this variant in disease. Therefore, it has been classified as a Variant of Uncertain Significance. Algorithms developed to predict the effect of missense changes on protein structure and function (SIFT, PolyPhen-2, Align-GVGD) all suggest that this variant is likely to be disruptive. This variant has not been reported in the literature in individuals affected with FLNB-related conditions. This variant is not present in population databases (gnomAD no frequency). This sequence change replaces serine, which is neutral and polar, with isoleucine, which is neutral and non-polar, at codon 2369 of the FLNB protein (p.Ser2369Ile).